The following is an entry in ClinVar:

ClinVar aggregate classification (germline): Benign/Likely benign. Review status: criteria provided, multiple submitters, no conflicts (2 of 4 stars). 6 submissions from 6 submitters: Benign (4); Likely benign (2). Last evaluated 2023-10-18.

Conditions:
Arthrogryposis, renal dysfunction, and cholestasis 1 (ARCS1). Identifiers: Orphanet 2697, MedGen C1859722, MONDO:0008822, OMIM 208085.

Allele frequency attached by ClinVar (database versions not stated): gnomAD exomes 0.00331; ExAC 0.00841; gnomAD 0.01060 and 0.01125; ESP Exome Variant Server 0.01099; TOPMed 0.01156; 1000 Genomes Project 30x 0.01234; 1000 Genomes Project 0.01258.
gnomAD v4.1: 3,931 of 1,555,120 alleles (0.25%); highest among the groups gnomAD compares: African/African-American, 3.5%; 40 homozygotes.

Submissions (6):

Mayo Clinic Laboratories, Mayo Clinic
Classification: Benign. Last evaluated: 2023-10-18. Review status: criteria provided, single submitter. Criteria: ACMG Guidelines, 2015. Collection method: clinical testing. Allele origin: germline. Observed: 18 variant alleles.
Comment: BS1, BS2, BP4, BP7

GeneDx
Classification: Likely benign. Last evaluated: 2020-01-16. Review status: criteria provided, single submitter. Criteria: GeneDx Variant Classification Process June 2021. Collection method: clinical testing. Allele origin: germline. Affected: yes.

Illumina Laboratory Services, Illumina
Classification: Benign for Arthrogryposis, renal dysfunction, and cholestasis 1. Last evaluated: 2018-01-12. Review status: criteria provided, single submitter. Criteria: ICSL Variant Classification Criteria 13 December 2019. Collection method: clinical testing. Allele origin: germline.
Comment: This variant was observed in the ICSL laboratory as part of a predisposition screen in an ostensibly healthy population. It had not been previously curated by ICSL or reported in the Human Gene Mutation Database (HGMD: prior to June 1st, 2018), and was therefore a candidate for classification through an automated scoring system. Utilizing variant allele frequency, disease prevalence and penetrance estimates, and inheritance mode, an automated score was calculated to assess if this variant is too frequent to cause the disease. Based on the score and internal cut-off values, a variant classified as benign is not then subjected to further curation. The score for this variant resulted in a classification of benign for this disease.

Eurofins Ntd Llc (ga)
Classification: Benign. Last evaluated: 2014-12-30. Review status: criteria provided, single submitter. Criteria: EGL Classification Definitions 2015. Collection method: clinical testing. Allele origin: germline. Observed: 1 variant allele, 1 heterozygote.

Breakthrough Genomics
Classification: Likely benign. Review status: criteria provided, single submitter. Criteria: ACMG Guidelines, 2015. Collection method: not provided. Allele origin: germline. Inheritance: Autosomal recessive inheritance. Affected: yes.

PreventionGenetics, part of Exact Sciences
Classification: Benign. Review status: criteria provided, single submitter. Criteria: ACMG Guidelines, 2015. Collection method: clinical testing. Allele origin: germline.

NM_018668.5(VPS33B):c.-8C>T

Gene: VPS33B (VPS33B late endosome and lysosome associated; minus strand). Cytogenetic location: 15q26.1.
Variant type: single nucleotide variant.
Coding change: c.-8C>T on transcript NM_018668.5 (MANE Select); 8 bases upstream of the start codon, C replaced by T.
Molecular consequence: 5 prime UTR variant.
Genome position (GRCh38, 1-based): chr15:91,022,257, G>A on the plus strand (C>T on the coding strand, the complement: VPS33B is on the minus strand). VCF-style: chr15-91022257-G-A. GRCh37 (hg19) VCF-style: chr15-91565487-G-A.
Other names: c.-8C>T (NM_001289148.1, NM_018668.4); c.-219C>T (NM_001289149.1).
Identifiers: ClinVar variation 193396 (VCV000193396.14), dbSNP rs11542639, ClinGen allele CA200554.